The following is an entry in ClinVar:

NM_000081.4(LYST):c.193-290A>G

Gene: LYST (lysosomal trafficking regulator; minus strand). Cytogenetic location: 1q42.3.
Variant type: single nucleotide variant.
Coding change: c.193-290A>G on transcript NM_000081.4 (MANE Select); 290 bases into the intron before coding-DNA position 193, A replaced by G.
Molecular consequence: intron variant.
Genome position (GRCh38, 1-based): chr1:235,813,351, T>C on the plus strand (A>G on the coding strand, the complement: LYST is on the minus strand). VCF-style: chr1-235813351-T-C. GRCh37 (hg19) VCF-style: chr1-235976651-T-C.
Other names: c.193-290A>G (NM_001301365.1).
Identifiers: ClinVar variation 684338 (VCV000684338.1), dbSNP rs7522053, ClinGen allele CA39618751.
Genomic context (GRCh38, chr1:235,813,351, plus strand): 5'-CTCCTGCTGATATTTCCAAAAATAGCTGTTATTACCACCATGCACATTGCAAGAATTCCT[T>C]ACCTATGAAGAAACAGATTTGCTAGGTGAAAATGAAAAGTTAAGCCCTATTAATTAGCAA-3'

ClinVar aggregate classification (germline): Benign (1 of 4 stars; one submission).

Allele frequency attached by ClinVar (database versions not stated): 1000 Genomes Project 0.41334; 1000 Genomes Project 30x 0.43020; gnomAD 0.50174 and 0.52179; TOPMed 0.51061.
gnomAD v4.1: 76,123 of 152,102 alleles (50%); highest among the groups gnomAD compares: African/African-American, 82%; 22,551 homozygotes.

Submission:

GeneDx
Classification: Benign. Last evaluated: 2018-06-19. Review status: criteria provided, single submitter. Criteria: GeneDx Variant Classification (06012015). Collection method: clinical testing. Allele origin: germline. Affected: yes.
Comment: This variant is considered likely benign or benign based on one or more of the following criteria: it is a conservative change, it occurs at a poorly conserved position in the protein, it is predicted to be benign by multiple in silico algorithms, and/or has population frequency not consistent with disease.